The following is an entry in ClinVar:

ClinVar aggregate classification (germline): Uncertain significance. Review status: criteria provided, multiple submitters, no conflicts (2 of 4 stars). 2 submissions from 2 submitters: Uncertain significance (2). Last evaluated 2025-02-10.

Conditions:
Autosomal recessive limb-girdle muscular dystrophy type 2L (LGMDR12). Also called: Limb-Girdle Muscular Dystrophy R12 Anoctamin-5-Related (LGMD-R12); Limb-girdle muscular dystrophy, type 2L; MUSCULAR DYSTROPHY, LIMB-GIRDLE, AUTOSOMAL RECESSIVE 12. Identifiers: Orphanet 206549, MedGen C1969785, MONDO:0012652, OMIM 611307.
Gnathodiaphyseal dysplasia (GDD). Also called: GNATHODIAPHYSEAL SCLEROSIS; OSTEOGENESIS IMPERFECTA WITH UNUSUAL SKELETAL LESIONS. Identifiers: Orphanet 53697, MedGen C1833736, MONDO:0008151, OMIM 166260.

gnomAD v4.1: 3 of 1,605,634 alleles (0.00019%); highest among the groups gnomAD compares: Non-Finnish European, 0.00026%; no homozygotes.

Submissions (2):

Labcorp Genetics (formerly Invitae), Labcorp
Classification: Uncertain significance for Autosomal recessive limb-girdle muscular dystrophy type 2L; Gnathodiaphyseal dysplasia. Last evaluated: 2025-02-10. Review status: criteria provided, single submitter. Criteria: Invitae Variant Classification Sherloc (09022015). Collection method: clinical testing. Allele origin: germline.
Comment: This sequence change replaces arginine, which is basic and polar, with glycine, which is neutral and non-polar, at codon 100 of the ANO5 protein (p.Arg100Gly). This variant is not present in population databases (gnomAD no frequency). This variant has not been reported in the literature in individuals affected with ANO5-related conditions. ClinVar contains an entry for this variant (Variation ID: 446843). Invitae Evidence Modeling of protein sequence and biophysical properties (such as structural, functional, and spatial information, amino acid conservation, physicochemical variation, residue mobility, and thermodynamic stability) indicates that this missense variant is expected to disrupt ANO5 protein function with a positive predictive value of 95%. In summary, the available evidence is currently insufficient to determine the role of this variant in disease. Therefore, it has been classified as a Variant of Uncertain Significance.

Athena Diagnostics
Classification: Uncertain significance. Last evaluated: 2016-08-30. Review status: criteria provided, single submitter. Criteria: Athena Diagnostics Criteria. Collection method: clinical testing. Allele origin: germline.

NM_213599.3(ANO5):c.298A>G (p.Arg100Gly)

Gene: ANO5 (anoctamin 5; plus strand). Cytogenetic location: 11p14.3.
Variant type: single nucleotide variant.
Coding change: c.298A>G on transcript NM_213599.3 (MANE Select); coding-DNA position 298, A replaced by G.
Protein change: p.Arg100Gly; replaces arginine 100 with glycine.
Molecular consequence: missense variant.
Genome position (GRCh38, 1-based): chr11:22,225,987, A>G. VCF-style: chr11-22225987-A-G. GRCh37 (hg19) VCF-style: chr11-22247533-A-G.
Other names: c.295A>G, p.Arg99Gly (NM_001142649.2); short protein forms R100G, R99G.
Identifiers: ClinVar variation 446843 (VCV000446843.7), dbSNP rs1554924008, ClinGen allele CA379918984.